The following is an entry in ClinVar:

NM_001386298.1(CIC):c.3309+4C>T

Gene: CIC (capicua transcriptional repressor; plus strand). Cytogenetic location: 19q13.2.
Variant type: single nucleotide variant.
Coding change: c.3309+4C>T on transcript NM_001386298.1 (MANE Select); 4 bases into the intron after coding-DNA position 3309, C replaced by T.
Molecular consequence: intron variant.
Genome position (GRCh38, 1-based): chr19:42,287,453, C>T. VCF-style: chr19-42287453-C-T. GRCh37 (hg19) VCF-style: chr19-42791605-C-T.
Other names: c.3309+4C>T (NM_001304815.2, NM_001439186.1, NM_001439183.1 and 6 more transcripts); c.582+4C>T (NM_015125.5, NM_001379484.1, NM_001439190.1 and 3 more transcripts).
Identifiers: ClinVar variation 5034603 (VCV005034603.1).

ClinVar aggregate classification (germline): Uncertain significance (1 of 4 stars; one submission).

Conditions:
Inborn genetic diseases. Identifiers: MedGen C0950123, MeSH D030342.

gnomAD v4.1: 1 of 1,613,086 alleles (0.000062%); highest among the groups gnomAD compares: Non-Finnish European, 0.000085%; no homozygotes.

Submission:

Ambry Genetics
Classification: Uncertain significance for Inborn genetic diseases. Last evaluated: 2026-08-18. Review status: criteria provided, single submitter. Criteria: Ambry Variant Classification Scheme 2023. Collection method: clinical testing. Allele origin: germline.
Comment: The c.582+4C>T intronic alteration consists of a C to T substitution 4 nucleotides after exon 4 of the CIC gene. This variant was not reported in population-based cohorts in the Genome Aggregation Database (gnomAD). Based on insufficient or conflicting evidence, the clinical significance of this alteration remains unclear.